The following is an entry in ClinVar:

ClinVar aggregate classification (germline): Uncertain significance (1 of 4 stars; one submission).

Conditions:
Inborn genetic diseases. Identifiers: MedGen C0950123, MeSH D030342.

gnomAD v4.1: 2 of 1,613,882 alleles (0.00012%); highest among the groups gnomAD compares: Non-Finnish European, 0.00017%; no homozygotes.

Submission:

Ambry Genetics
Classification: Uncertain significance for Inborn genetic diseases. Last evaluated: 2025-06-18. Review status: criteria provided, single submitter. Criteria: Ambry Variant Classification Scheme 2023. Collection method: clinical testing. Allele origin: germline.
Comment: The p.R103G variant (also known as c.307C>G), located in coding exon 3 of the ETV6 gene, results from a C to G substitution at nucleotide position 307. The arginine at codon 103 is replaced by glycine, an amino acid with dissimilar properties. This amino acid position is highly conserved in available vertebrate species. In addition, this alteration is predicted to be deleterious by in silico analysis. Based on the available evidence, the clinical significance of this variant remains unclear.

NM_001987.5(ETV6):c.307C>G (p.Arg103Gly)

Genes: ETV6 (ETS variant transcription factor 6; plus strand), LOC126861451 (BRD4-independent group 4 enhancer GRCh37_chr12:11991350-11992549; plus strand). Cytogenetic location: 12p13.2.
Variant type: single nucleotide variant.
Coding change: c.307C>G on transcript NM_001987.5 (MANE Select); coding-DNA position 307, C replaced by G.
Protein change: p.Arg103Gly; replaces arginine 103 with glycine.
Molecular consequence: missense variant.
Genome position (GRCh38, 1-based): chr12:11,839,283, C>G. VCF-style: chr12-11839283-C-G. GRCh37 (hg19) VCF-style: chr12-11992217-C-G.
Other names: c.304C>G, p.Arg102Gly (NM_001413913.1); c.280C>G, p.Arg94Gly (NM_001413914.1); c.43C>G, p.Arg15Gly (NM_001413915.1); c.307C>G, p.Arg103Gly (NM_001413916.1, NM_001413917.1, NM_001413918.1); short protein forms R102G, R94G, R103G, R15G.
Identifiers: ClinVar variation 4251422 (VCV004251422.1).